The following is an entry in ClinVar:

NM_139057.4(ADAMTS17):c.388C>G (p.Arg130Gly)

Gene: ADAMTS17 (ADAM metallopeptidase with thrombospondin type 1 motif 17; minus strand). Cytogenetic location: 15q26.3.
Variant type: single nucleotide variant.
Coding change: c.388C>G on transcript NM_139057.4 (MANE Select); coding-DNA position 388, C replaced by G.
Protein change: p.Arg130Gly; replaces arginine 130 with glycine.
Molecular consequence: missense variant.
Genome position (GRCh38, 1-based): chr15:100,341,101, G>C on the plus strand (C>G on the coding strand, the complement: ADAMTS17 is on the minus strand). VCF-style: chr15-100341101-G-C. GRCh37 (hg19) VCF-style: chr15-100881306-G-C.
Other names: short protein forms R130G.
Identifiers: ClinVar variation 315319 (VCV000315319.8), dbSNP rs886050979, ClinGen allele CA10645495.

ClinVar aggregate classification (germline): Conflicting classifications of pathogenicity. Review status: criteria provided, conflicting classifications (1 of 4 stars). 3 submissions from 3 submitters: Uncertain significance (2); Likely benign (1). Last evaluated 2024-07-10.

Conditions:
Weill-Marchesani 4 syndrome, recessive. Also called: Weill-Marchesani syndrome 4. Identifiers: Orphanet 363992, MedGen C2750787, MONDO:0013176, OMIM 613195.

Allele frequency attached by ClinVar (database versions not stated): gnomAD exomes 0.00013; TOPMed 0.00018; gnomAD 0.00019.
gnomAD v4.1: 258 of 1,512,560 alleles (0.017%); highest among the groups gnomAD compares: Non-Finnish European, 0.02%; no homozygotes.

Submissions (3):

Blueprint Genetics
Classification: Likely benign. Last evaluated: 2024-07-10. Review status: criteria provided, single submitter. Criteria: ACMG Guidelines, 2015. Collection method: clinical testing. Allele origin: germline.

Labcorp Genetics (formerly Invitae), Labcorp
Classification: Uncertain significance. Last evaluated: 2022-04-18. Review status: criteria provided, single submitter. Criteria: Invitae Variant Classification Sherloc (09022015). Collection method: clinical testing. Allele origin: germline.
Comment: This sequence change replaces arginine, which is basic and polar, with glycine, which is neutral and non-polar, at codon 130 of the ADAMTS17 protein (p.Arg130Gly). This variant is present in population databases (no rsID available, gnomAD 0.02%). This variant has not been reported in the literature in individuals affected with ADAMTS17-related conditions. ClinVar contains an entry for this variant (Variation ID: 315319). Algorithms developed to predict the effect of missense changes on protein structure and function are either unavailable or do not agree on the potential impact of this missense change (SIFT: "Not Available"; PolyPhen-2: "Benign"; Align-GVGD: "Not Available"). In summary, the available evidence is currently insufficient to determine the role of this variant in disease. Therefore, it has been classified as a Variant of Uncertain Significance.

Illumina Laboratory Services, Illumina
Classification: Uncertain significance for Weill-Marchesani 4 syndrome, recessive. Last evaluated: 2018-01-13. Review status: criteria provided, single submitter. Criteria: ICSL Variant Classification Criteria 13 December 2019. Collection method: clinical testing. Allele origin: germline.